The following is an entry in ClinVar:

ClinVar aggregate classification (germline): Uncertain significance (1 of 4 stars; one submission).

Submission:

GeneDx
Classification: Uncertain significance. Last evaluated: 2021-06-15. Review status: criteria provided, single submitter. Criteria: GeneDx Variant Classification Process June 2021. Collection method: clinical testing. Allele origin: germline. Affected: yes.
Comment: Not observed at significant frequency in large population cohorts (Lek et al., 2016); In silico analysis supports that this missense variant has a deleterious effect on protein structure/function; Has not been previously published as pathogenic or benign to our knowledge; This variant is associated with the following publications: (PMID: 27535533)

NM_001394062.1(MACF1):c.19117G>T (p.Asp6373Tyr)

Gene: MACF1 (microtubule actin crosslinking factor 1; plus strand). Cytogenetic location: 1p34.3.
Variant type: single nucleotide variant.
Coding change: c.19117G>T on transcript NM_001394062.1 (MANE Select); coding-DNA position 19117, G replaced by T.
Protein change: p.Asp6373Tyr; replaces aspartic acid 6373 with tyrosine.
Molecular consequence: missense variant.
Genome position (GRCh38, 1-based): chr1:39,442,726, G>T. VCF-style: chr1-39442726-G-T. GRCh37 (hg19) VCF-style: chr1-39908398-G-T.
Other names: c.12940G>T, p.Asp4314Tyr (NM_012090.5); short protein forms D4314Y, D6373Y.
Identifiers: ClinVar variation 1328906 (VCV001328906.2), dbSNP rs2148666690, ClinGen allele CA339814322.
Genomic context (GRCh38, chr1:39,442,726, plus strand): 5'-GTTAGATGATATCCATAGAGATAAATTATGTTGTTCAACATGTTTTAGGTCCTAAAAAAT[G>T]ATGTTTTGGCTCATCAAGCCACAGTGGAAACAGTCAACAAAGCTGGCAATGAGCTTCTTG-3'
Protein context (NP_001380991.1, residues 6363-6383): ELAKHHVLKN[Asp6373Tyr]VLAHQATVET